The following is an entry in ClinVar:

ClinVar aggregate classification (germline): Uncertain significance (1 of 4 stars; one submission).

gnomAD v4.1: 3 of 1,613,226 alleles (0.00019%); highest among the groups gnomAD compares: South Asian, 0.0022%; no homozygotes.

Submission:

Women's Health and Genetics/Laboratory Corporation of America, LabCorp
Classification: Uncertain significance. Last evaluated: 2026-01-19. Review status: criteria provided, single submitter. Criteria: LabCorp Variant Classification Summary - May 2015. Collection method: clinical testing. Allele origin: germline.
Comment: Variant summary: KATNB1 c.1496G>A (p.Cys499Tyr) results in a non-conservative amino acid change in the encoded protein sequence. Algorithms developed to predict the effect of missense changes on protein structure and function are either unavailable or do not agree on the potential impact of this missense change. The variant allele was found at a frequency of 8e-06 in 250588 control chromosomes in the gnomAD database. The available data on variant occurrences in the general population are insufficient to allow any conclusion about variant significance. To our knowledge, no occurrence of c.1496G>A in individuals affected with KATNB1-related conditions and no experimental evidence demonstrating its impact on protein function have been reported. No submitters have cited clinical-significance assessments for this variant to ClinVar. Based on the evidence outlined above, the variant was classified as uncertain significance.

NM_005886.3(KATNB1):c.1496G>A (p.Cys499Tyr)

Gene: KATNB1 (katanin regulatory subunit B1; plus strand). Cytogenetic location: 16q21.
Variant type: single nucleotide variant.
Coding change: c.1496G>A on transcript NM_005886.3 (MANE Select); coding-DNA position 1496, G replaced by A.
Protein change: p.Cys499Tyr; replaces cysteine 499 with tyrosine.
Molecular consequence: missense variant.
Genome position (GRCh38, 1-based): chr16:57,755,424, G>A. VCF-style: chr16-57755424-G-A. GRCh37 (hg19) VCF-style: chr16-57789336-G-A.
Other names: short protein forms C499Y.
Identifiers: ClinVar variation 4689295 (VCV004689295.1).